The following is an entry in ClinVar:

NM_006019.4(TCIRG1):c.1743C>T (p.Phe581=)

Gene: TCIRG1 (T cell immune regulator 1, ATPase H+ transporting V0 subunit a3; plus strand). Cytogenetic location: 11q13.2.
Variant type: single nucleotide variant.
Coding change: c.1743C>T on transcript NM_006019.4 (MANE Select); coding-DNA position 1743, C replaced by T.
Protein change: p.Phe581=; no amino-acid change (phenylalanine 581 retained).
Molecular consequence: synonymous variant.
Genome position (GRCh38, 1-based): chr11:68,049,150, C>T. VCF-style: chr11-68049150-C-T. GRCh37 (hg19) VCF-style: chr11-67816617-C-T.
Other names: c.849C>T, p.Phe283= (NM_001351059.2); c.1095C>T, p.Phe365= (NM_006053.4).
Identifiers: ClinVar variation 726374 (VCV000726374.21), dbSNP rs148391697, ClinGen allele CA6147252.

ClinVar aggregate classification (germline): Likely benign. Review status: criteria provided, multiple submitters, no conflicts (2 of 4 stars). 3 submissions from 3 submitters: Likely benign (2). 1 of the submissions does not count toward it. Last evaluated 2025-12-30.

Conditions:
Autosomal recessive osteopetrosis 1. Also called: TCIRG1-Related Osteopetrosis; ALBERS-SCHONBERG DISEASE, AUTOSOMAL RECESSIVE; TCIRG1-Related Autosomal Recessive Osteopetrosis. Identifiers: Orphanet 667, MedGen C1850127, MONDO:0009815, OMIM 259700.

Allele frequency attached by ClinVar (database versions not stated): gnomAD exomes 0.00003 and 0.00008; ExAC 0.00010; gnomAD 0.00017 and 0.00019; ESP Exome Variant Server 0.00023; TOPMed 0.00025.
gnomAD v4.1: 65 of 1,613,942 alleles (0.004%); highest among the groups gnomAD compares: African/African-American, 0.053%; no homozygotes.

Submissions (3):

Labcorp Genetics (formerly Invitae), Labcorp
Classification: Likely benign. Last evaluated: 2025-12-30. Review status: criteria provided, single submitter. Criteria: Invitae Variant Classification Sherloc (09022015). Collection method: clinical testing. Allele origin: germline.

CeGaT Center for Human Genetics Tuebingen
Classification: Likely benign. Last evaluated: 2025-05-01. Review status: criteria provided, single submitter. Criteria: CeGaT Center For Human Genetics Tuebingen Variant Classification Criteria Version 2. Collection method: clinical testing. Allele origin: germline. Affected: yes. Observed: 1 variant allele.
Comment: TCIRG1: BP4, BP7

Natera, Inc.
Classification: Uncertain significance for Infantile malignant osteopetrosis. Last evaluated: 2020-04-16. Review status: no assertion criteria provided. Collection method: clinical testing. Allele origin: germline. Not counted in ClinVar's aggregate classification.